The following is an entry in ClinVar:

ClinVar aggregate classification (germline): Likely benign. Review status: criteria provided, multiple submitters, no conflicts (2 of 4 stars). 3 submissions from 3 submitters: Likely benign (3). Last evaluated 2025-10-13.

Conditions:
Fanconi anemia complementation group J. Also called: BRIP1-Related Fanconi Anemia. Identifiers: Orphanet 84, MedGen C1836860, MONDO:0012187, OMIM 609054.
Familial cancer of breast. Also called: BREAST CANCER, FAMILIAL; hereditary breast carcinoma; Hereditary breast cancer. Identifiers: Orphanet 227535, MedGen C0346153, MONDO:0016419, OMIM 114480. Disease mechanism: loss of function.
Hereditary cancer-predisposing syndrome. Also called: Tumor predisposition; Neoplastic Syndromes, Hereditary; Hereditary Cancer Syndrome; Hereditary neoplastic syndrome. Identifiers: Orphanet 140162, MedGen C0027672, MeSH D009386, MONDO:0015356.

Allele frequency attached by ClinVar (database versions not stated): TOPMed below 0.00001.

Submissions (3):

Labcorp Genetics (formerly Invitae), Labcorp
Classification: Likely benign for Familial cancer of breast; Fanconi anemia complementation group J. Last evaluated: 2025-10-13. Review status: criteria provided, single submitter. Criteria: Invitae Variant Classification Sherloc (09022015). Collection method: clinical testing. Allele origin: germline.

Myriad Genetics, Inc.
Classification: Likely benign for Familial cancer of breast. Last evaluated: 2024-09-05. Review status: criteria provided, single submitter. Criteria: Myriad Autosomal Dominant, Autosomal Recessive and X-Linked Classification Criteria (2023). Collection method: clinical testing. Allele origin: unknown.
Comment: This variant is considered likely benign. This variant is intronic and is not expected to impact mRNA splicing.

Color Diagnostics, LLC DBA Color Health
Classification: Likely benign for Hereditary cancer-predisposing syndrome. Last evaluated: 2017-01-16. Review status: criteria provided, single submitter. Criteria: ACMG Guidelines, 2015. Collection method: clinical testing. Allele origin: germline.

NM_032043.3(BRIP1):c.2493-16T>C

Gene: BRIP1 (BRCA1 interacting DNA helicase 1; minus strand). Cytogenetic location: 17q23.2.
Variant type: single nucleotide variant.
Coding change: c.2493-16T>C on transcript NM_032043.3 (MANE Select); 16 bases into the intron before coding-DNA position 2493, T replaced by C.
Molecular consequence: intron variant.
Genome position (GRCh38, 1-based): chr17:61,693,528, A>G on the plus strand (T>C on the coding strand, the complement: BRIP1 is on the minus strand). VCF-style: chr17-61693528-A-G. GRCh37 (hg19) VCF-style: chr17-59770889-A-G.
Identifiers: ClinVar variation 491445 (VCV000491445.13), dbSNP rs1555574835, ClinGen allele CA658684162.